The following is an entry in ClinVar:

NM_000899.5(KITLG):c.130-11dup

Gene: KITLG (KIT ligand; minus strand). Cytogenetic location: 12q21.32.
Variant type: Duplication.
Coding change: c.130-11dup on transcript NM_000899.5 (MANE Select); 11 bases into the intron before coding-DNA position 130, one base duplicated (T; older notation c.130-11dupT).
Molecular consequence: intron variant.
Genome position (GRCh38, 1-based): chr12:88,532,514, A duplicated on the plus strand (T on the coding strand, the reverse complement: KITLG is on the minus strand); the first of 11 consecutive A bases (chr12:88,532,514-88,532,524); duplicating any one gives the same sequence. VCF-style (leftmost placement, unchanged base first): chr12-88532513-C-CA. GRCh37 (hg19) VCF-style: chr12-88926290-C-CA.
Other names: p.?; c.130-11dup (NM_003994.6).
Identifiers: ClinVar variation 517646 (VCV000517646.15), dbSNP rs11428619, ClinGen allele CA6713774.

ClinVar aggregate classification (germline): Benign/Likely benign. Review status: criteria provided, multiple submitters, no conflicts (2 of 4 stars). 6 submissions from 6 submitters: Benign (4); Likely benign (2). Last evaluated 2026-02-01.

Conditions:
SKIN/HAIR/EYE PIGMENTATION 7, DARK/LIGHT SKIN (SHEP7). Also called: SKIN/HAIR/EYE PIGMENTATION 7, BLOND/BROWN HAIR; SKIN/HAIR/EYE PIGMENTATION, VARIATION IN, 7. Identifiers: MedGen C2674081, OMIM 611664.
Hyperpigmentation with or without hypopigmentation, familial progressive. Also called: MELANOSIS UNIVERSALIS HEREDITARIA; Congenital hypomelanotic and hypermelanotic macules. Identifiers: Orphanet 280628, Orphanet 79146, MedGen C1840392, MONDO:0007771, OMIM 145250.
Autosomal dominant nonsyndromic hearing loss 69. Also called: Deafness, autosomal dominant 69; Deafness, autosomal dominant 69, unilateral or asymmetric. Identifiers: Orphanet 90635, MedGen C4225241, MONDO:0014738, OMIM 616697.

Submissions (6):

Labcorp Genetics (formerly Invitae), Labcorp
Classification: Benign. Last evaluated: 2026-02-01. Review status: criteria provided, single submitter. Criteria: Invitae Variant Classification Sherloc (09022015). Collection method: clinical testing. Allele origin: germline.

Blueprint Genetics
Classification: Likely benign. Last evaluated: 2024-11-27. Review status: criteria provided, single submitter. Criteria: ACMG Guidelines, 2015. Collection method: clinical testing. Allele origin: germline.

Mayo Clinic Laboratories, Mayo Clinic
Classification: Benign. Last evaluated: 2022-04-17. Review status: criteria provided, single submitter. Criteria: ACMG Guidelines, 2015. Collection method: clinical testing. Allele origin: germline. Observed: 18 variant alleles.

Fulgent Genetics
Classification: Likely benign for Hyperpigmentation with or without hypopigmentation, familial progressive; SKIN/HAIR/EYE PIGMENTATION 7, DARK/LIGHT SKIN; Autosomal dominant nonsyndromic hearing loss 69. Last evaluated: 2021-09-27. Review status: criteria provided, single submitter. Criteria: ACMG Guidelines, 2015. Collection method: clinical testing. Allele origin: unknown.

GeneDx
Classification: Benign. Last evaluated: 2019-08-18. Review status: criteria provided, single submitter. Criteria: GeneDx Variant Classification Process June 2021. Collection method: clinical testing. Allele origin: germline. Affected: yes.

Laboratory for Molecular Medicine, Mass General Brigham Personalized Medicine
Classification: Benign. Last evaluated: 2017-11-13. Review status: criteria provided, single submitter. Criteria: LMM Criteria. Collection method: clinical testing. Allele origin: germline. Observed: 4 variant alleles.
Comment: This variant is present in 15% (21777/141927) of all chromosomes in the Genome A ggregation Database (gnomAD,, rs11428619) and i s therefore benign.